The following is an entry in ClinVar:

ClinVar aggregate classification (germline): Likely benign. Review status: criteria provided, multiple submitters, no conflicts (2 of 4 stars). 3 submissions from 3 submitters: Likely benign (3). Last evaluated 2023-07-17.

Conditions:
Hereditary breast ovarian cancer syndrome. Also called: Hereditary breast and/or ovarian cancer syndrome; Hereditary breast and ovarian cancer syndrome; Hereditary breast and ovarian cancer syndrome (HBOC); Hereditary breast and ovarian cancer; BRCA1- and BRCA2-Associated Hereditary Breast and Ovarian Cancer; Breast and ovarian cancer. Identifiers: Orphanet 145, MedGen C0677776, MeSH D061325, MONDO:0003582. Disease mechanism: loss of function.
Hereditary cancer-predisposing syndrome. Also called: Tumor predisposition; Hereditary neoplastic syndrome; Neoplastic Syndromes, Hereditary; Hereditary Cancer Syndrome. Identifiers: Orphanet 140162, MedGen C0027672, MeSH D009386, MONDO:0015356.

Allele frequency attached by ClinVar (database versions not stated): gnomAD 0.00001.
gnomAD v4.1: 1 of 1,614,054 alleles (0.000062%); highest among the groups gnomAD compares: African/African-American, 0.0013%; no homozygotes.

Submissions (3):

Labcorp Genetics (formerly Invitae), Labcorp
Classification: Likely benign for Hereditary breast ovarian cancer syndrome. Last evaluated: 2023-07-17. Review status: criteria provided, single submitter. Criteria: Invitae Variant Classification Sherloc (09022015). Collection method: clinical testing. Allele origin: germline.

Ambry Genetics
Classification: Likely benign for Hereditary cancer-predisposing syndrome. Last evaluated: 2021-03-27. Review status: criteria provided, single submitter. Criteria: Ambry Variant Classification Scheme 2023. Collection method: clinical testing. Allele origin: germline.

GeneDx
Classification: Likely benign. Last evaluated: 2016-05-31. Review status: criteria provided, single submitter. Criteria: GeneDx Variant Classification (06012015). Collection method: clinical testing. Allele origin: germline. Affected: yes.
Comment: This variant is considered likely benign or benign based on one or more of the following criteria: it is a conservative change, it occurs at a poorly conserved position in the protein, it is predicted to be benign by multiple in silico algorithms, and/or has population frequency not consistent with disease.

NM_000059.4(BRCA2):c.8097T>C (p.Asn2699=)

Gene: BRCA2 (BRCA2 DNA repair associated; plus strand). Cytogenetic location: 13q13.1.
Variant type: single nucleotide variant.
Coding change: c.8097T>C on transcript NM_000059.4 (MANE Select); coding-DNA position 8097, T replaced by C.
Protein change: p.Asn2699=; no amino-acid change (asparagine 2699 retained).
Molecular consequence: synonymous variant.
Genome position (GRCh38, 1-based): chr13:32,363,299, T>C. VCF-style: chr13-32363299-T-C. GRCh37 (hg19) VCF-style: chr13-32937436-T-C.
Identifiers: ClinVar variation 379008 (VCV000379008.11), dbSNP rs1057520460, ClinGen allele CA16607486.